The following is an entry in ClinVar:

NM_001378609.3(OTOGL):c.3851T>C (p.Leu1284Pro)

Gene: OTOGL (otogelin like; plus strand). Cytogenetic location: 12q21.31.
Variant type: single nucleotide variant.
Coding change: c.3851T>C on transcript NM_001378609.3 (MANE Select); coding-DNA position 3851, T replaced by C.
Protein change: p.Leu1284Pro; replaces leucine 1284 with proline.
Molecular consequence: missense variant.
Genome position (GRCh38, 1-based): chr12:80,320,470, T>C. VCF-style: chr12-80320470-T-C. GRCh37 (hg19) VCF-style: chr12-80714250-T-C.
Other names: c.3716T>C, p.Leu1239Pro (NM_001368062.3); c.3851T>C, p.Leu1284Pro (NM_001378610.3, NM_173591.7); short protein forms L1239P, L1284P.
Identifiers: ClinVar variation 2820428 (VCV002820428.3), dbSNP rs2541236095, ClinGen allele CA385869543.

ClinVar aggregate classification (germline): Uncertain significance (1 of 4 stars; one submission).

Submission:

Labcorp Genetics (formerly Invitae), Labcorp
Classification: Uncertain significance. Last evaluated: 2023-01-21. Review status: criteria provided, single submitter. Criteria: Invitae Variant Classification Sherloc (09022015). Collection method: clinical testing. Allele origin: germline.
Comment: This sequence change replaces leucine, which is neutral and non-polar, with proline, which is neutral and non-polar, at codon 1275 of the OTOGL protein (p.Leu1275Pro). This variant is not present in population databases (gnomAD no frequency). This missense change has been observed in individual(s) with autosomal recessive deafness (Invitae). In at least one individual the data is consistent with being in trans (on the opposite chromosome) from a pathogenic variant. Algorithms developed to predict the effect of missense changes on protein structure and function are either unavailable or do not agree on the potential impact of this missense change (SIFT: "Deleterious"; PolyPhen-2: "Probably Damaging"; Align-GVGD: "Class C0"). In summary, the available evidence is currently insufficient to determine the role of this variant in disease. Therefore, it has been classified as a Variant of Uncertain Significance.